The following is an entry in ClinVar:

ClinVar aggregate classification (germline): Uncertain significance (1 of 4 stars; one submission).

Conditions:
Sphingolipid activator protein 1 deficiency. Also called: Metachromatic leukodystrophy due to saposin B deficiency; METACHROMATIC LEUKODYSTROPHY DUE TO CEREBROSIDE SULFATASE ACTIVATOR DEFICIENCY; Saposin B Deficiency. Identifiers: Orphanet 512, MedGen C0268262, MONDO:0009590, OMIM 249900.

Allele frequency attached by ClinVar (database versions not stated): TOPMed below 0.00001; ExAC 0.00003; gnomAD exomes 0.00003 and 0.00004; gnomAD 0.00005; 1000 Genomes Project 30x 0.00016.

Submission:

Labcorp Genetics (formerly Invitae), Labcorp
Classification: Uncertain significance for Sphingolipid activator protein 1 deficiency. Last evaluated: 2022-06-13. Review status: criteria provided, single submitter. Criteria: Invitae Variant Classification Sherloc (09022015). Collection method: clinical testing. Allele origin: germline.
Comment: This sequence change replaces serine, which is neutral and polar, with asparagine, which is neutral and polar, at codon 427 of the PSAP protein (p.Ser427Asn). This variant is present in population databases (rs748633704, gnomAD 0.03%). This variant has not been reported in the literature in individuals affected with PSAP-related conditions. Algorithms developed to predict the effect of missense changes on protein structure and function are either unavailable or do not agree on the potential impact of this missense change (SIFT: "Not Available"; PolyPhen-2: "Probably Damaging"; Align-GVGD: "Not Available"). In summary, the available evidence is currently insufficient to determine the role of this variant in disease. Therefore, it has been classified as a Variant of Uncertain Significance.

NM_002778.4(PSAP):c.1280G>A (p.Ser427Asn)

Gene: PSAP (prosaposin; minus strand). Cytogenetic location: 10q22.1.
Variant type: single nucleotide variant.
Coding change: c.1280G>A on transcript NM_002778.4 (MANE Select); coding-DNA position 1280, G replaced by A.
Protein change: p.Ser427Asn; replaces serine 427 with asparagine.
Molecular consequence: missense variant.
Genome position (GRCh38, 1-based): chr10:71,819,535, C>T on the plus strand (G>A on the coding strand, the complement: PSAP is on the minus strand). VCF-style: chr10-71819535-C-T. GRCh37 (hg19) VCF-style: chr10-73579292-C-T.
Other names: c.1289G>A, p.Ser430Asn (NM_001042465.3); c.1286G>A, p.Ser429Asn (NM_001042466.3); short protein forms S429N, S430N, S427N.
Identifiers: ClinVar variation 1497595 (VCV001497595.3), dbSNP rs748633704, ClinGen allele CA5547411.